The following is an entry in ClinVar:

NM_006231.4(POLE):c.569T>C (p.Leu190Pro)

Gene: POLE (DNA polymerase epsilon, catalytic subunit; minus strand). Cytogenetic location: 12q24.33.
Variant type: single nucleotide variant.
Coding change: c.569T>C on transcript NM_006231.4 (MANE Select); coding-DNA position 569, T replaced by C.
Protein change: p.Leu190Pro; replaces leucine 190 with proline.
Molecular consequence: missense variant.
Genome position (GRCh38, 1-based): chr12:132,679,506, A>G on the plus strand (T>C on the coding strand, the complement: POLE is on the minus strand). VCF-style: chr12-132679506-A-G. GRCh37 (hg19) VCF-style: chr12-133256092-A-G.
Other names: c.569T>C (NM_006231.2); short protein forms L190P.
Identifiers: ClinVar variation 571980 (VCV000571980.9), dbSNP rs1565979656, ClinGen allele CA387366643.

ClinVar aggregate classification (germline): Uncertain significance. Review status: criteria provided, multiple submitters, no conflicts (2 of 4 stars). 2 submissions from 2 submitters: Uncertain significance (2). Last evaluated 2024-04-08.

Conditions:
Hereditary cancer-predisposing syndrome. Also called: Hereditary neoplastic syndrome; Tumor predisposition; Neoplastic Syndromes, Hereditary; Hereditary Cancer Syndrome. Identifiers: Orphanet 140162, MedGen C0027672, MeSH D009386, MONDO:0015356.

Submissions (2):

Ambry Genetics
Classification: Uncertain significance for Hereditary cancer-predisposing syndrome. Last evaluated: 2024-04-08. Review status: criteria provided, single submitter. Criteria: Ambry Variant Classification Scheme 2023. Collection method: clinical testing. Allele origin: germline.
Comment: The p.L190P variant (also known as c.569T>C), located in coding exon 6 of the POLE gene, results from a T to C substitution at nucleotide position 569. The leucine at codon 190 is replaced by proline, an amino acid with similar properties. This amino acid position is conserved. In addition, this alteration is predicted to be tolerated by in silico analysis. Based on the available evidence, the clinical significance of this variant remains unclear.

Labcorp Genetics (formerly Invitae), Labcorp
Classification: Uncertain significance. Last evaluated: 2023-03-01. Review status: criteria provided, single submitter. Criteria: Invitae Variant Classification Sherloc (09022015). Collection method: clinical testing. Allele origin: germline.
Comment: Advanced modeling of protein sequence and biophysical properties (such as structural, functional, and spatial information, amino acid conservation, physicochemical variation, residue mobility, and thermodynamic stability) performed at Invitae indicates that this missense variant is not expected to disrupt POLE protein function. This sequence change replaces leucine, which is neutral and non-polar, with proline, which is neutral and non-polar, at codon 190 of the POLE protein (p.Leu190Pro). This variant is not present in population databases (gnomAD no frequency). This variant has not been reported in the literature in individuals affected with POLE-related conditions. ClinVar contains an entry for this variant (Variation ID: 571980). In summary, the available evidence is currently insufficient to determine the role of this variant in disease. Therefore, it has been classified as a Variant of Uncertain Significance.